The following is an entry in ClinVar:

NM_000051.4(ATM):c.1613C>T (p.Ala538Val)

Gene: ATM (ATM serine/threonine kinase; plus strand). Cytogenetic location: 11q22.3.
Variant type: single nucleotide variant.
Coding change: c.1613C>T on transcript NM_000051.4 (MANE Select); coding-DNA position 1613, C replaced by T.
Protein change: p.Ala538Val; replaces alanine 538 with valine.
Molecular consequence: missense variant.
Genome position (GRCh38, 1-based): chr11:108,251,842, C>T. VCF-style: chr11-108251842-C-T. GRCh37 (hg19) VCF-style: chr11-108122569-C-T.
Other names: c.1613C>T, p.Ala538Val (NM_001351834.2); short protein forms A538V.
Identifiers: ClinVar variation 571541 (VCV000571541.14), dbSNP rs1565385040, ClinGen allele CA382534480.

ClinVar aggregate classification (germline): Uncertain significance. Review status: criteria provided, single submitter (1 of 4 stars). 2 submissions from 2 submitters: Uncertain significance (1). 1 of the submissions does not count toward it. Last evaluated 2020-09-15.

Conditions:
Ataxia-telangiectasia syndrome (AT). Also called: AT, COMPLEMENTATION GROUP C; Cerebello-oculocutaneous telangiectasia; Immunodeficiency with ataxia telangiectasia; Ataxia-telangiectasia, complementation group D; ATAXIA-TELANGIECTASIA, FRESNO VARIANT; Ataxia-telangiectasia, complementation group E. Identifiers: Orphanet 100, MedGen C0004135, MONDO:0008840, OMIM 208900.

Allele frequency attached by ClinVar (database versions not stated): gnomAD 0.00001.
gnomAD v4.1: 1 of 1,613,572 alleles (0.000062%); highest among the groups gnomAD compares: African/African-American, 0.0013%; no homozygotes.

Submissions (2):

Labcorp Genetics (formerly Invitae), Labcorp
Classification: Uncertain significance for Ataxia-telangiectasia syndrome. Last evaluated: 2020-09-15. Review status: criteria provided, single submitter. Criteria: Invitae Variant Classification Sherloc (09022015). Collection method: clinical testing. Allele origin: germline.
Comment: In summary, the available evidence is currently insufficient to determine the role of this variant in disease. Therefore, it has been classified as a Variant of Uncertain Significance. Algorithms developed to predict the effect of missense changes on protein structure and function output the following: SIFT: "Tolerated"; PolyPhen-2: "Benign"; Align-GVGD: "Class C0". The valine amino acid residue is found in multiple mammalian species, suggesting that this missense change does not adversely affect protein function. These predictions have not been confirmed by published functional studies and their clinical significance is uncertain. This variant has not been reported in the literature in individuals with ATM-related disease. This variant is not present in population databases (ExAC no frequency). This sequence change replaces alanine with valine at codon 538 of the ATM protein (p.Ala538Val). The alanine residue is weakly conserved and there is a small physicochemical difference between alanine and valine.

Natera, Inc.
Classification: Uncertain significance for Ataxia-telangiectasia. Last evaluated: 2021-04-23. Review status: no assertion criteria provided. Collection method: clinical testing. Allele origin: germline. Not counted in ClinVar's aggregate classification.